The following is an entry in ClinVar:

ClinVar aggregate classification (germline): Uncertain significance (1 of 4 stars; one submission).

Conditions:
3-methylcrotonyl-CoA carboxylase 2 deficiency. Also called: METHYLCROTONYLGLYCINURIA, TYPE II; 3 alpha methylcrotonyl-CoA carboxylase 2 deficiency; 3 alpha methylcrotonylglycinuria 2; MCC 2 deficiency; Methylcrotonylglycinuria type 2. Identifiers: Orphanet 6, MedGen C1859499, MONDO:0008862, OMIM 210210.

gnomAD v4.1: 12 of 1,613,852 alleles (0.00074%); highest among the groups gnomAD compares: Non-Finnish European, 0.00076%; no homozygotes.

Submission:

Labcorp Genetics (formerly Invitae), Labcorp
Classification: Uncertain significance for 3-methylcrotonyl-CoA carboxylase 2 deficiency. Last evaluated: 2025-08-31. Review status: criteria provided, single submitter. Criteria: Invitae Variant Classification Sherloc (09022015). Collection method: clinical testing. Allele origin: germline.
Comment: This sequence change replaces aspartic acid, which is acidic and polar, with asparagine, which is neutral and polar, at codon 533 of the MCCC2 protein (p.Asp533Asn). This variant is present in population databases (rs773127732, gnomAD 0.002%). This variant has not been reported in the literature in individuals affected with MCCC2-related conditions. Invitae Evidence Modeling of protein sequence and biophysical properties (such as structural, functional, and spatial information, amino acid conservation, physicochemical variation, residue mobility, and thermodynamic stability) indicates that this missense variant is not expected to disrupt MCCC2 protein function with a negative predictive value of 80%. In summary, the available evidence is currently insufficient to determine the role of this variant in disease. Therefore, it has been classified as a Variant of Uncertain Significance.

NM_022132.5(MCCC2):c.1597G>A (p.Asp533Asn)

Gene: MCCC2 (methylcrotonyl-CoA carboxylase subunit 2; plus strand). Cytogenetic location: 5q13.2.
Variant type: single nucleotide variant.
Coding change: c.1597G>A on transcript NM_022132.5 (MANE Select); coding-DNA position 1597, G replaced by A.
Protein change: p.Asp533Asn; replaces aspartic acid 533 with asparagine.
Molecular consequence: missense variant.
Genome position (GRCh38, 1-based): chr5:71,656,765, G>A. VCF-style: chr5-71656765-G-A. GRCh37 (hg19) VCF-style: chr5-70952592-G-A.
Other names: c.1483G>A, p.Asp495Asn (NM_001363147.1); short protein forms D495N, D533N.
Identifiers: ClinVar variation 4710036 (VCV004710036.1).
Genomic context (GRCh38, chr5:71,656,765, plus strand): 5'-GTGGTAAATTCATAACTCTTTTTTTGTTCTTTTGTCAGGGTATGGGATGATGGGATCATT[G>A]ATCCAGCAGACACCAGACTGGTCTTGGGTCTCAGTTTTAGTGCAGCCCTCAACGCACCAA-3'
Protein context (NP_071415.1, residues 523-543): SARVWDDGII[Asp533Asn]PADTRLVLGL